The following is an entry in ClinVar:

ClinVar aggregate classification (germline): Benign/Likely benign. Review status: criteria provided, multiple submitters, no conflicts (2 of 4 stars). 4 submissions from 4 submitters: Benign (2); Likely benign (2). Last evaluated 2025-12-10.

Conditions:
SLC17A9-related disorder. Also called: SLC17A9-related condition.

Allele frequency attached by ClinVar (database versions not stated): gnomAD exomes 0.00092; ExAC 0.00120; gnomAD 0.00370; 1000 Genomes Project 0.00399; TOPMed 0.00415; 1000 Genomes Project 30x 0.00437.
gnomAD v4.1: 1,191 of 1,613,266 alleles (0.074%); highest among the groups gnomAD compares: African/African-American, 1.3%; 4 homozygotes.

Submissions (11):

PreventionGenetics, part of Exact Sciences
Classification: Likely benign for SLC17A9-related condition. Last evaluated: 2025-12-10. Review status: criteria provided, single submitter. Criteria: ACMG Guidelines, 2015. Collection method: clinical testing. Allele origin: germline.
Comment: This variant is classified as likely benign based on ACMG/AMP sequence variant interpretation guidelines (Richards et al. 2015 PMID: 25741868, with internal and published modifications).

Blueprint Genetics
Classification: Likely benign. Last evaluated: 2024-08-09. Review status: criteria provided, single submitter. Criteria: ACMG Guidelines, 2015. Collection method: clinical testing. Allele origin: germline.

Labcorp Genetics (formerly Invitae), Labcorp
Classification: Benign. Last evaluated: 2019-12-31. Review status: criteria provided, single submitter. Criteria: Invitae Variant Classification Sherloc (09022015). Collection method: clinical testing. Allele origin: germline.

Breakthrough Genomics
Classification: Benign. Review status: criteria provided, single submitter. Criteria: ACMG Guidelines, 2015. Collection method: not provided. Allele origin: germline. Inheritance: Autosomal dominant inheritance. Affected: yes.

Dr. Peter K. Rogan Lab, Western University
No classification provided (evidence only). Condition: Clear cell carcinoma of kidney. Review status: no classification provided. Collection method: in vitro. Allele origin: not applicable. Functional consequence: retained intron. Not counted in ClinVar's aggregate classification.

Dr. Peter K. Rogan Lab, Western University
No classification provided (evidence only). Condition: Familial cancer of breast. Review status: no classification provided. Collection method: in vitro. Allele origin: not applicable. Functional consequence: retained intron. Not counted in ClinVar's aggregate classification.

Dr. Peter K. Rogan Lab, Western University
No classification provided (evidence only). Condition: Familial cancer of breast. Review status: no classification provided. Collection method: in vitro. Allele origin: not applicable. Functional consequence: retained intron. Not counted in ClinVar's aggregate classification.

Dr. Peter K. Rogan Lab, Western University
No classification provided (evidence only). Condition: Familial cancer of breast. Review status: no classification provided. Collection method: in vitro. Allele origin: not applicable. Functional consequence: retained intron. Not counted in ClinVar's aggregate classification.

Dr. Peter K. Rogan Lab, Western University
No classification provided (evidence only). Condition: Uterine corpus endometrial carcinoma. Review status: no classification provided. Collection method: in vitro. Allele origin: not applicable. Functional consequence: retained intron. Not counted in ClinVar's aggregate classification.

Dr. Peter K. Rogan Lab, Western University
No classification provided (evidence only). Condition: Uterine corpus endometrial carcinoma. Review status: no classification provided. Collection method: in vitro. Allele origin: not applicable. Functional consequence: retained intron. Not counted in ClinVar's aggregate classification.

Dr. Peter K. Rogan Lab, Western University
No classification provided (evidence only). Condition: Uterine corpus endometrial carcinoma. Review status: no classification provided. Collection method: in vitro. Allele origin: not applicable. Functional consequence: retained intron. Not counted in ClinVar's aggregate classification.

NM_022082.4(SLC17A9):c.257+1G>T

Gene: SLC17A9 (solute carrier family 17 member 9; plus strand). Cytogenetic location: 20q13.33.
Variant type: single nucleotide variant.
Coding change: c.257+1G>T on transcript NM_022082.4 (MANE Select); the canonical splice donor site of the intron after coding-DNA position 257, G replaced by T.
Molecular consequence: splice donor variant.
Genome position (GRCh38, 1-based): chr20:62,956,963, G>T. VCF-style: chr20-62956963-G-T. GRCh37 (hg19) VCF-style: chr20-61588315-G-T.
Other names: NC_000020.10:g.61588315G>T; c.239+1G>T (NM_001302643.2).
Identifiers: ClinVar variation 709518 (VCV000709518.8), dbSNP rs200943155, ClinGen allele CA9952804.
Genomic context (GRCh38, chr20:62,956,963, plus strand): 5'-CAGCAGCTTCTTCTGGGGCTACTGCCTGACACAGGTTGTGGGCGGCCACCTCGGGGATCG[G>T]TAACTGCCCATCTTCCCCATCTCCTGGCTGGTGGGGGCCGCCCCACTGGGGCCTCCAGGG-3'